The following is an entry in ClinVar:

NM_025130.4(HKDC1):c.126G>T (p.Arg42=)

Genes: HKDC1 (hexokinase domain containing 1; plus strand), LOC101928994 (uncharacterized LOC101928994; minus strand). Cytogenetic location: 10q22.1.
Variant type: single nucleotide variant.
Coding change: c.126G>T on transcript NM_025130.4 (MANE Select); coding-DNA position 126, G replaced by T.
Protein change: p.Arg42=; no amino-acid change (arginine 42 retained).
Molecular consequence: synonymous variant.
Genome position (GRCh38, 1-based): chr10:69,227,269, G>T. VCF-style: chr10-69227269-G-T. GRCh37 (hg19) VCF-style: chr10-70987025-G-T.
Identifiers: ClinVar variation 2640544 (VCV002640544.24), dbSNP rs750989819, ClinGen allele CA5531072.

ClinVar aggregate classification (germline): Likely benign (1 of 4 stars; one submission).

Allele frequency attached by ClinVar (database versions not stated): ExAC 0.00001.
gnomAD v4.1: 4 of 1,614,172 alleles (0.00025%); highest among the groups gnomAD compares: Non-Finnish European, 0.00034%; no homozygotes.

Submission:

CeGaT Center for Human Genetics Tuebingen
Classification: Likely benign. Last evaluated: 2022-11-01. Review status: criteria provided, single submitter. Criteria: CeGaT Center For Human Genetics Tuebingen Variant Classification Criteria Version 2. Collection method: clinical testing. Allele origin: germline. Affected: yes. Observed: 1 variant allele.
Comment: HKDC1: BP4, BP7